The following is an entry in ClinVar:

NM_001009944.3(PKD1):c.1607-1G>T

Gene: PKD1 (polycystin 1, transient receptor potential channel interacting; minus strand). Cytogenetic location: 16p13.3.
Variant type: single nucleotide variant.
Coding change: c.1607-1G>T on transcript NM_001009944.3 (MANE Select); the canonical splice acceptor site of the intron before coding-DNA position 1607, G replaced by T.
Molecular consequence: splice acceptor variant.
Genome position (GRCh38, 1-based): chr16:2,116,645, C>A on the plus strand (G>T on the coding strand, the complement: PKD1 is on the minus strand). VCF-style: chr16-2116645-C-A. GRCh37 (hg19) VCF-style: chr16-2166646-C-A.
Other names: c.1607-1G>T (NM_000296.4).
Identifiers: ClinVar variation 3381141 (VCV003381141.1).

ClinVar aggregate classification (germline): Likely pathogenic (1 of 4 stars; one submission).

Submission:

Mayo Clinic Laboratories, Mayo Clinic
Classification: Likely pathogenic. Last evaluated: 2023-10-19. Review status: criteria provided, single submitter. Criteria: ACMG Guidelines, 2015. Collection method: clinical testing. Allele origin: germline. Observed: 2 variant alleles.
Comment: PM2, PVS1